The following is an entry in ClinVar:

ClinVar aggregate classification (germline): Benign/Likely benign. Review status: criteria provided, multiple submitters, no conflicts (2 of 4 stars). 4 submissions from 4 submitters: Benign (1); Likely benign (3). Last evaluated 2026-01-19.

Conditions:
Hereditary cancer-predisposing syndrome. Also called: Tumor predisposition; Hereditary neoplastic syndrome; Neoplastic Syndromes, Hereditary; Hereditary Cancer Syndrome. Identifiers: Orphanet 140162, MedGen C0027672, MeSH D009386, MONDO:0015356.
Oligodontia-cancer predisposition syndrome. Also called: TOOTH AGENESIS-COLORECTAL CANCER SYNDROME. Identifiers: Orphanet 300576, MedGen C1837750, MONDO:0012075, OMIM 608615. Disease mechanism: loss of function.

Allele frequency attached by ClinVar (database versions not stated): gnomAD exomes below 0.00001 and 0.00001; gnomAD 0.00001; TOPMed 0.00002.
gnomAD v4.1: 19 of 1,613,196 alleles (0.0012%); highest among the groups gnomAD compares: Non-Finnish European, 0.0014%; no homozygotes.

Submissions (4):

Labcorp Genetics (formerly Invitae), Labcorp
Classification: Likely benign for Oligodontia-cancer predisposition syndrome. Last evaluated: 2026-01-19. Review status: criteria provided, single submitter. Criteria: Invitae Variant Classification Sherloc (09022015). Collection method: clinical testing. Allele origin: germline.

Myriad Genetics, Inc.
Classification: Benign for Oligodontia-cancer predisposition syndrome. Last evaluated: 2024-07-03. Review status: criteria provided, single submitter. Criteria: Myriad Autosomal Dominant, Autosomal Recessive and X-Linked Classification Criteria (2023). Collection method: clinical testing. Allele origin: unknown.
Comment: This variant is considered benign. This variant is a silent/synonymous amino acid change and it is not expected to impact splicing.

Blueprint Genetics
Classification: Likely benign. Last evaluated: 2021-11-04. Review status: criteria provided, single submitter. Criteria: ACMG Guidelines, 2015. Collection method: clinical testing. Allele origin: germline.

Ambry Genetics
Classification: Likely benign for Hereditary cancer-predisposing syndrome. Last evaluated: 2019-04-16. Review status: criteria provided, single submitter. Criteria: Ambry Variant Classification Scheme 2023. Collection method: clinical testing. Allele origin: germline.

NM_004655.4(AXIN2):c.1497C>T (p.Leu499=)

Gene: AXIN2 (axin 2; minus strand). Cytogenetic location: 17q24.1.
Variant type: single nucleotide variant.
Coding change: c.1497C>T on transcript NM_004655.4 (MANE Select); coding-DNA position 1497, C replaced by T.
Protein change: p.Leu499=; no amino-acid change (leucine 499 retained).
Molecular consequence: synonymous variant.
Genome position (GRCh38, 1-based): chr17:65,537,539, G>A on the plus strand (C>T on the coding strand, the complement: AXIN2 is on the minus strand). VCF-style: chr17-65537539-G-A. GRCh37 (hg19) VCF-style: chr17-63533657-G-A.
Other names: c.1497C>T, p.Leu499= (NM_001363813.1).
Identifiers: ClinVar variation 771242 (VCV000771242.17), dbSNP rs976214591, ClinGen allele CA501691532.